The following is an entry in ClinVar:

ClinVar aggregate classification (germline): Pathogenic (1 of 4 stars; one submission).

Submission:

ISCA site 15
Classification: Pathogenic. Last evaluated: 2011-08-12. Review status: criteria provided, single submitter. Criteria: Kaminsky et al. (Genet Med. 2011). Collection method: clinical testing. Allele origin: de novo. Affected: yes. Observed: 1 variant allele.
Comment: Copy number variation identified through the course of routine clinical cytogenomic testing in postnatal populations. Clinical assertions have been curated as described in Kaminsky et al. 2011.

GRCh38/hg38 5q35.1-35.2(chr5:172961091-175054665)x1

Genes: ATP6V0E1 (ATPase H+ transporting V0 subunit e1; plus strand), BNIP1 (BCL2 interacting protein 1; plus strand), BOD1 (biorientation of chromosomes in cell division 1; minus strand), C5orf47 (chromosome 5 open reading frame 47; plus strand), CPEB4 (cytoplasmic polyadenylation element binding protein 4; plus strand) and 79 more. Cytogenetic location: 5q35.1-35.2.
Variant type: copy number loss.
Change: copy number 1 (one copy instead of two) of chr5:172,961,091-175,054,665 (2.09 Mb, GRCh38 coordinates, 1-based), cytogenetic band 5q35.1-35.2.
Identifiers: ClinVar variation 58396 (VCV000058396.1).